The following is an entry in ClinVar:

Conditions:
Breast-ovarian cancer, familial, susceptibility to, 1 (BROVCA1). Also called: BRCA1 Hereditary Breast and Ovarian Cancer; OVARIAN CANCER, SUSCEPTIBILITY TO. Identifiers: Orphanet 145, MedGen C2676676, MONDO:0011450, OMIM 604370. Disease mechanism: loss of function.

Submission:

Brotman Baty Institute, University of Washington
No classification provided (evidence only). Condition: Breast-ovarian cancer, familial 1. Review status: no classification provided. Collection method: in vitro. Allele origin: not applicable. Functional consequence: functionally_normal.
ClinVar note: "not provided" was previously submitted as the classification for the variant. However, the classification appeared to be based only on an observation of functional data so it was converted to no classification on 2025-07-30.

NM_007294.4(BRCA1):c.5092G>C (p.Glu1698Gln)

Gene: BRCA1 (BRCA1 DNA repair associated; minus strand). Cytogenetic location: 17q21.31.
Variant type: single nucleotide variant.
Coding change: c.5092G>C on transcript NM_007294.4 (MANE Select); coding-DNA position 5092, G replaced by C.
Protein change: p.Glu1698Gln; replaces glutamic acid 1698 with glutamine.
Molecular consequence: missense variant. On other transcripts: non-coding transcript variant (1).
Genome position (GRCh38, 1-based): chr17:43,063,934, C>G on the plus strand (G>C on the coding strand, the complement: BRCA1 is on the minus strand). VCF-style: chr17-43063934-C-G. GRCh37 (hg19) VCF-style: chr17-41215951-C-G.
Other names: c.4879G>C, p.Glu1627Gln (NM_001407571.1, NM_001407894.1, NM_001407895.1 and 12 more transcripts); c.5158G>C, p.Glu1720Gln (NM_001407581.1, NM_001407582.1); c.5155G>C, p.Glu1719Gln (NM_001407583.1, NM_001407585.1, NM_001407587.1 and 1 more transcripts); c.5152G>C, p.Glu1718Gln (NM_001407590.1, NM_001407591.1); c.5092G>C, p.Glu1698Gln (NM_001407593.1, NM_001407594.1, NM_001407596.1 and 7 more transcripts); c.5089G>C, p.Glu1697Gln (NM_001407620.1, NM_001407621.1, NM_001407622.1 and 17 more transcripts); c.5086G>C, p.Glu1696Gln (NM_001407627.1, NM_001407628.1, NM_001407639.1 and 14 more transcripts); c.5083G>C, p.Glu1695Gln (NM_001407644.1, NM_001407645.1); and 71 more; short protein forms E1698Q, E594Q, E1651Q, E1719Q, E1649Q, E1655Q, E1695Q, E506Q.
Identifiers: ClinVar variation 868631 (VCV000868631.3), dbSNP rs2051929740, ClinGen allele CA10591341.